The following is an entry in ClinVar:

ClinVar aggregate classification (germline): Uncertain significance (1 of 4 stars; one submission).

Conditions:
Congenital contractures of the limbs and face, hypotonia, and developmental delay (CLIFAHDD). Identifiers: Orphanet 562528, MedGen C4225398, MONDO:0014556, OMIM 616266.

Submission:

Laboratory of Medical Genetics, National & Kapodistrian University of Athens
Classification: Uncertain significance for Congenital contractures of the limbs and face, hypotonia, and developmental delay. Last evaluated: 2018-05-04. Review status: criteria provided, single submitter. Criteria: ACMG Guidelines, 2015. Collection method: clinical testing. Allele origin: de novo. Affected: yes.
Comment: PM2,PP2,PP3

NM_052867.4(NALCN):c.5209G>C (p.Asp1737His)

Genes: NALCN (sodium leak channel, non-selective; minus strand), NALCN-AS1 (NALCN antisense RNA 1; plus strand). Cytogenetic location: 13q32.3.
Variant type: single nucleotide variant.
Coding change: c.5209G>C on transcript NM_052867.4 (MANE Select); coding-DNA position 5209, G replaced by C.
Protein change: p.Asp1737His; replaces aspartic acid 1737 with histidine.
Molecular consequence: missense variant. On other transcripts: non-coding transcript variant (1).
Genome position (GRCh38, 1-based): chr13:101,055,303, C>G on the plus strand (G>C on the coding strand, the complement: NALCN is on the minus strand). VCF-style: chr13-101055303-C-G. GRCh37 (hg19) VCF-style: chr13-101707655-C-G.
Other names: c.5296G>C, p.Asp1766His (NM_001350748.2); c.5209G>C, p.Asp1737His (NM_001350749.2); c.5122G>C, p.Asp1708His (NM_001350750.2, NM_001350751.2); short protein forms D1737H, D1766H, D1708H.
Identifiers: ClinVar variation 637028 (VCV000637028.1), dbSNP rs757937802, ClinGen allele CA388642711.
Genomic context (GRCh38, chr13:101,055,303, plus strand): 5'-ATTATTAGAAAACGGTTTCCACCACTAGAAATTCATCTACATTGACATCCACCTAAATAT[C>G]CAGAAGGTCATCCCCACTTTCGTCGCTCTCCACAGTCAGCTGCCGGGTCCACCACTTCTT-3'
Protein context (NP_443099.1, residues 1727-1738): ESDESGDDLL[Asp1737His]I